The following is an entry in ClinVar:

ClinVar aggregate classification (germline): Likely pathogenic (1 of 4 stars; one submission).

Submission:

Labcorp Genetics (formerly Invitae), Labcorp
Classification: Likely pathogenic. Last evaluated: 2023-10-23. Review status: criteria provided, single submitter. Criteria: Invitae Variant Classification Sherloc (09022015). Collection method: clinical testing. Allele origin: germline.
Comment: This sequence change affects a donor splice site in intron 8 of the AGBL5 gene. It is expected to disrupt RNA splicing. Variants that disrupt the donor or acceptor splice site typically lead to a loss of protein function (PMID: 16199547), and loss-of-function variants in AGBL5 are known to be pathogenic (PMID: 27764769, 27842159). This variant is not present in population databases (gnomAD no frequency). This variant has not been reported in the literature in individuals affected with AGBL5-related conditions. Algorithms developed to predict the effect of sequence changes on RNA splicing suggest that this variant may disrupt the consensus splice site. In summary, the currently available evidence indicates that the variant is pathogenic, but additional data are needed to prove that conclusively. Therefore, this variant has been classified as Likely Pathogenic.

Literature cited by the submitters: PubMed 16199547; PubMed 27764769; PubMed 27842159.

NM_021831.6(AGBL5):c.1535+1G>A

Gene: AGBL5 (AGBL carboxypeptidase 5; plus strand). Cytogenetic location: 2p23.3.
Variant type: single nucleotide variant.
Coding change: c.1535+1G>A on transcript NM_021831.6 (MANE Select); the canonical splice donor site of the intron after coding-DNA position 1535, G replaced by A.
Molecular consequence: splice donor variant.
Genome position (GRCh38, 1-based): chr2:27,056,793, G>A. VCF-style: chr2-27056793-G-A. GRCh37 (hg19) VCF-style: chr2-27279661-G-A.
Other names: c.1535+1G>A (NM_001035507.3).
Identifiers: ClinVar variation 2768778 (VCV002768778.3), dbSNP rs2465473183, ClinGen allele CA346183213.